The following is an entry in ClinVar:

ClinVar aggregate classification (germline): Benign/Likely benign. Review status: criteria provided, multiple submitters, no conflicts (2 of 4 stars). 6 submissions from 6 submitters: Benign (1); Likely benign (5). Last evaluated 2026-01-28.

Conditions:
CDH23-related disorder. Also called: CDH23-related condition; CDH23-related disorders.

Allele frequency attached by ClinVar (database versions not stated): gnomAD exomes 0.00013 and 0.00027; ExAC 0.00035; ESP Exome Variant Server 0.00097; gnomAD 0.00103 and 0.00111; TOPMed 0.00128; 1000 Genomes Project 0.00180; 1000 Genomes Project 30x 0.00187.
gnomAD v4.1: 359 of 1,612,800 alleles (0.022%); highest among the groups gnomAD compares: African/African-American, 0.41%; 1 homozygote.

Submissions (6):

Labcorp Genetics (formerly Invitae), Labcorp
Classification: Likely benign. Last evaluated: 2026-01-28. Review status: criteria provided, single submitter. Criteria: Invitae Variant Classification Sherloc (09022015). Collection method: clinical testing. Allele origin: germline.

PreventionGenetics, part of Exact Sciences
Classification: Likely benign for CDH23-related condition. Last evaluated: 2025-12-28. Review status: criteria provided, single submitter. Criteria: ACMG Guidelines, 2015. Collection method: clinical testing. Allele origin: germline.
Comment: This variant is classified as likely benign based on ACMG/AMP sequence variant interpretation guidelines (Richards et al. 2015 PMID: 25741868, with internal and published modifications).

Blueprint Genetics
Classification: Benign. Last evaluated: 2024-03-26. Review status: criteria provided, single submitter. Criteria: ACMG Guidelines, 2015. Collection method: clinical testing. Allele origin: germline.

GeneDx
Classification: Likely benign. Last evaluated: 2020-07-31. Review status: criteria provided, single submitter. Criteria: GeneDx Variant Classification Process June 2021. Collection method: clinical testing. Allele origin: germline. Affected: yes.

Laboratory for Molecular Medicine, Mass General Brigham Personalized Medicine
Classification: Likely benign. Last evaluated: 2012-05-07. Review status: criteria provided, single submitter. Criteria: LMM Criteria. Collection method: clinical testing. Allele origin: germline. Observed: 1 variant allele.
Comment: Thr2092Ile in Exon 48 of CDH23: This variant is not expected to have clinical si gnificance because it has been identified in 0.3% (10/3322) of African American chromosomes from a broad population by the NHLBI Exome Sequencing Project (dbSNP rs145868749).

Breakthrough Genomics
Classification: Likely benign. Review status: criteria provided, single submitter. Criteria: ACMG Guidelines, 2015. Collection method: not provided. Allele origin: germline. Inheritance: Autosomal recessive inheritance. Affected: yes.

NM_022124.6(CDH23):c.6275C>T (p.Thr2092Ile)

Gene: CDH23 (cadherin related 23; plus strand). Cytogenetic location: 10q22.1.
Variant type: single nucleotide variant.
Coding change: c.6275C>T on transcript NM_022124.6 (MANE Select); coding-DNA position 6275, C replaced by T.
Protein change: p.Thr2092Ile; replaces threonine 2092 with isoleucine.
Molecular consequence: missense variant.
Genome position (GRCh38, 1-based): chr10:71,793,203, C>T. VCF-style: chr10-71793203-C-T. GRCh37 (hg19) VCF-style: chr10-73552960-C-T.
Other names: short protein forms T2092I.
Identifiers: ClinVar variation 227233 (VCV000227233.21), dbSNP rs145868749, ClinGen allele CA5546048.